The following is an entry in ClinVar:

NM_004360.5(CDH1):c.531+17T>C

Gene: CDH1 (cadherin 1; plus strand). Cytogenetic location: 16q22.1.
Variant type: single nucleotide variant.
Coding change: c.531+17T>C on transcript NM_004360.5 (MANE Select); 17 bases into the intron after coding-DNA position 531, T replaced by C.
Molecular consequence: intron variant.
Genome position (GRCh38, 1-based): chr16:68,808,584, T>C. VCF-style: chr16-68808584-T-C. GRCh37 (hg19) VCF-style: chr16-68842487-T-C.
Other names: c.531+17T>C (LRG_301t1, NM_001317184.2); c.-1085+17T>C (NM_001317185.2); c.-1289+17T>C (NM_001317186.2).
Identifiers: ClinVar variation 379300 (VCV000379300.15), dbSNP rs1057520562, ClinGen allele CA16607440.

ClinVar aggregate classification (germline): Conflicting classifications of pathogenicity. Review status: criteria provided, conflicting classifications (1 of 4 stars). 5 submissions from 5 submitters: Uncertain significance (1); Likely benign (4). Last evaluated 2026-01-13.

Conditions:
Hereditary diffuse gastric adenocarcinoma (HDGC). Also called: DIFFUSE GASTRIC AND LOBULAR BREAST CANCER SYNDROME. Identifiers: Orphanet 26106, MedGen C1708349, MONDO:0007648, OMIM 137215.
Hereditary cancer-predisposing syndrome. Also called: Tumor predisposition; Neoplastic Syndromes, Hereditary; Hereditary neoplastic syndrome; Hereditary Cancer Syndrome. Identifiers: Orphanet 140162, MedGen C0027672, MeSH D009386, MONDO:0015356.

Allele frequency attached by ClinVar (database versions not stated): gnomAD exomes below 0.00001; TOPMed 0.00001.
gnomAD v4.1: 7 of 1,614,142 alleles (0.00043%); highest among the groups gnomAD compares: Middle Eastern, 0.049%; no homozygotes.

Submissions (5):

Labcorp Genetics (formerly Invitae), Labcorp
Classification: Likely benign for Hereditary diffuse gastric adenocarcinoma. Last evaluated: 2026-01-13. Review status: criteria provided, single submitter. Criteria: Invitae Variant Classification Sherloc (09022015). Collection method: clinical testing. Allele origin: germline.

Blueprint Genetics
Classification: Likely benign. Last evaluated: 2024-05-23. Review status: criteria provided, single submitter. Criteria: ACMG Guidelines, 2015. Collection method: clinical testing. Allele origin: germline.

Institute for Clinical Genetics, University Hospital TU Dresden, University Hospital TU Dresden
Classification: Uncertain significance. Last evaluated: 2021-11-03. Review status: criteria provided, single submitter. Criteria: ACMG Guidelines, 2015. Collection method: clinical testing. Allele origin: germline.

Color Diagnostics, LLC DBA Color Health
Classification: Likely benign for Hereditary cancer-predisposing syndrome. Last evaluated: 2017-03-02. Review status: criteria provided, single submitter. Criteria: ACMG Guidelines, 2015. Collection method: clinical testing. Allele origin: germline.

GeneDx
Classification: Likely benign. Last evaluated: 2016-09-26. Review status: criteria provided, single submitter. Criteria: GeneDx Variant Classification (06012015). Collection method: clinical testing. Allele origin: germline. Affected: yes.
Comment: This variant is considered likely benign or benign based on one or more of the following criteria: it is a conservative change, it occurs at a poorly conserved position in the protein, it is predicted to be benign by multiple in silico algorithms, and/or has population frequency not consistent with disease.